The following is an entry in ClinVar:

NM_015702.3(MMADHC):c.372+1G>T

Gene: MMADHC (metabolism of cobalamin associated D; minus strand). Cytogenetic location: 2q23.2.
Variant type: single nucleotide variant.
Coding change: c.372+1G>T on transcript NM_015702.3 (MANE Select); the canonical splice donor site of the intron after coding-DNA position 372, G replaced by T.
Molecular consequence: splice donor variant.
Genome position (GRCh38, 1-based): chr2:149,579,430, C>A on the plus strand (G>T on the coding strand, the complement: MMADHC is on the minus strand). VCF-style: chr2-149579430-C-A. GRCh37 (hg19) VCF-style: chr2-150435944-C-A.
Identifiers: ClinVar variation 997916 (VCV000997916.1), dbSNP rs755561981, ClinGen allele CA348870470.

ClinVar aggregate classification (germline): Likely pathogenic (1 of 4 stars; one submission).

Conditions:
Cobalamin C disease. Also called: Cobalamin-C methylmalonic acidemia and homocystinuria; Methylmalonic acidemia and homocystinuria cblC type; Methylmalonic aciduria with homocystinuria cblC type; Methylmalonic aciduria and homocystinuria, Vitamin B12-responsive; Vitamin B12 metabolic defect with combined deficiency of methylmalonyl-CoA mutase and homocysteine:methyltetrahydrofolate methyltransferase; methylmalonic aciduria and homocystinuria type cblC. Identifiers: Orphanet 26, Orphanet 79282, MedGen C1848561, MONDO:0010184, OMIM 277400.

Submission:

Women's Health and Genetics/Laboratory Corporation of America, LabCorp
Classification: Likely pathogenic for Cobalamin C disease. Last evaluated: 2021-02-12. Review status: criteria provided, single submitter. Criteria: LabCorp Variant Classification Summary - May 2015. Collection method: clinical testing. Allele origin: germline.
Comment: Variant summary: MMADHC c.372+1G>T is located in a canonical splice-site and is predicted to affect mRNA splicing resulting in a significantly altered protein due to either exon skipping, shortening, or inclusion of intronic material. Several computational tools predict a significant impact on normal splicing: four predict the variant abolishes a 5' splicing donor site. However, these predictions have yet to be confirmed by functional studies. The variant was absent in 250852 control chromosomes (gnomAD). To our knowledge, no occurrence of c.372+1G>T in individuals affected with Methylmalonic Acidemia with Homocystinuria and no experimental evidence demonstrating its impact on protein function have been reported. No clinical diagnostic laboratories have submitted clinical-significance assessments for this variant to ClinVar after 2014. Based on the evidence outlined above, the variant was classified as likely pathogenic.